The following is an entry in ClinVar:

NM_000260.4(MYO7A):c.2596C>T (p.Arg866Cys)

Gene: MYO7A (myosin VIIA; plus strand). Cytogenetic location: 11q13.5.
Variant type: single nucleotide variant.
Coding change: c.2596C>T on transcript NM_000260.4 (MANE Select); coding-DNA position 2596, C replaced by T.
Protein change: p.Arg866Cys; replaces arginine 866 with cysteine.
Molecular consequence: missense variant.
Genome position (GRCh38, 1-based): chr11:77,180,383, C>T. VCF-style: chr11-77180383-C-T. GRCh37 (hg19) VCF-style: chr11-76891429-C-T.
Other names: c.2596C>T, p.Arg866Cys (NM_001127180.2); c.2563C>T, p.Arg855Cys (NM_001369365.1); short protein forms R855C, R866C.
Identifiers: ClinVar variation 2150573 (VCV002150573.2), dbSNP rs782487264, ClinGen allele CA6197872.

ClinVar aggregate classification (germline): Uncertain significance. Review status: criteria provided, multiple submitters, no conflicts (2 of 4 stars). 2 submissions from 2 submitters: Uncertain significance (2). Last evaluated 2022-09-07.

Allele frequency attached by ClinVar (database versions not stated): ExAC 0.00003.
gnomAD v4.1: 57 of 1,612,044 alleles (0.0035%); highest among the groups gnomAD compares: Middle Eastern, 0.016%; no homozygotes.

Submissions (2):

Labcorp Genetics (formerly Invitae), Labcorp
Classification: Uncertain significance. Last evaluated: 2022-09-07. Review status: criteria provided, single submitter. Criteria: Invitae Variant Classification Sherloc (09022015). Collection method: clinical testing. Allele origin: germline.
Comment: This sequence change replaces arginine, which is basic and polar, with cysteine, which is neutral and slightly polar, at codon 866 of the MYO7A protein (p.Arg866Cys). This variant is present in population databases (rs782487264, gnomAD 0.007%). This variant has not been reported in the literature in individuals affected with MYO7A-related conditions. Advanced modeling of protein sequence and biophysical properties (such as structural, functional, and spatial information, amino acid conservation, physicochemical variation, residue mobility, and thermodynamic stability) performed at Invitae indicates that this missense variant is not expected to disrupt MYO7A protein function. In summary, the available evidence is currently insufficient to determine the role of this variant in disease. Therefore, it has been classified as a Variant of Uncertain Significance.

Blueprint Genetics
Classification: Uncertain significance. Last evaluated: 2022-08-05. Review status: criteria provided, single submitter. Criteria: ACMG Guidelines, 2015. Collection method: clinical testing. Allele origin: germline.